The following is an entry in ClinVar:

NM_003922.4(HERC1):c.8520T>G (p.Ala2840=)

Gene: HERC1 (HECT and RLD domain containing E3 ubiquitin protein ligase family member 1; minus strand). Cytogenetic location: 15q22.31.
Variant type: single nucleotide variant.
Coding change: c.8520T>G on transcript NM_003922.4 (MANE Select); coding-DNA position 8520, T replaced by G.
Protein change: p.Ala2840=; no amino-acid change (alanine 2840 retained).
Molecular consequence: synonymous variant.
Genome position (GRCh38, 1-based): chr15:63,665,954, A>C on the plus strand (T>G on the coding strand, the complement: HERC1 is on the minus strand). VCF-style: chr15-63665954-A-C. GRCh37 (hg19) VCF-style: chr15-63958153-A-C.
Identifiers: ClinVar variation 722752 (VCV000722752.11), dbSNP rs377560628, ClinGen allele CA7604924.
Genomic context (GRCh38, chr15:63,665,954, plus strand): 5'-AAAAGTACAGAAACTGGAATTTCACCTTTCACTAAAACCTTCCTCCATTTCAGCAGCATC[A>C]GCTGATGGTATGTCTCCAGGTGACTGCAAATAACAGGGATCATTTGACTTCCCGCCACTG-3'
Protein context (NP_003913.3, residues 2830-2850): YLQSPGDIPS[Ala2840=]DAAEMEEGFS

ClinVar aggregate classification (germline): Likely benign. Review status: criteria provided, multiple submitters, no conflicts (2 of 4 stars). 3 submissions from 3 submitters: Likely benign (2). 1 of the submissions does not count toward it. Last evaluated 2024-10-29.

Conditions:
HERC1-related disorder. Also called: HERC1-related condition.

Allele frequency attached by ClinVar (database versions not stated): gnomAD exomes 0.00001 and 0.00004; ExAC 0.00004; gnomAD 0.00006 and 0.00008; TOPMed 0.00011.
gnomAD v4.1: 57 of 1,613,732 alleles (0.0035%); highest among the groups gnomAD compares: East Asian, 0.018%; no homozygotes.

Submissions (3):

Labcorp Genetics (formerly Invitae), Labcorp
Classification: Likely benign. Last evaluated: 2024-10-29. Review status: criteria provided, single submitter. Criteria: Invitae Variant Classification Sherloc (09022015). Collection method: clinical testing. Allele origin: germline.

Blueprint Genetics
Classification: Likely benign. Last evaluated: 2024-06-06. Review status: criteria provided, single submitter. Criteria: ACMG Guidelines, 2015. Collection method: clinical testing. Allele origin: germline.

PreventionGenetics, part of Exact Sciences
Classification: Likely benign for HERC1-related condition. Last evaluated: 2019-12-05. Review status: no assertion criteria provided. Collection method: clinical testing. Allele origin: germline. Not counted in ClinVar's aggregate classification.
Comment: This variant is classified as likely benign based on ACMG/AMP sequence variant interpretation guidelines (Richards et al. 2015 PMID: 25741868, with internal and published modifications).